The following is an entry in ClinVar:

NM_000525.4(KCNJ11):c.805G>A (p.Asp269Asn)

Gene: KCNJ11 (potassium inwardly rectifying channel subfamily J member 11; minus strand). Cytogenetic location: 11p15.1.
Variant type: single nucleotide variant.
Coding change: c.805G>A on transcript NM_000525.4 (MANE Select); coding-DNA position 805, G replaced by A.
Protein change: p.Asp269Asn; replaces aspartic acid 269 with asparagine.
Molecular consequence: missense variant.
Genome position (GRCh38, 1-based): chr11:17,387,287, C>T on the plus strand (G>A on the coding strand, the complement: KCNJ11 is on the minus strand). VCF-style: chr11-17387287-C-T. GRCh37 (hg19) VCF-style: chr11-17408834-C-T.
Other names: c.544G>A, p.Asp182Asn (NM_001166290.2, NM_001377296.1, NM_001377297.1); short protein forms D182N, D269N.
Identifiers: ClinVar variation 1337726 (VCV001337726.5), dbSNP rs756552714, ClinGen allele CA5902244.

ClinVar aggregate classification (germline): Uncertain significance. Review status: criteria provided, multiple submitters, no conflicts (2 of 4 stars). 2 submissions from 2 submitters: Uncertain significance (2). Last evaluated 2025-07-24.

Allele frequency attached by ClinVar (database versions not stated): ExAC 0.00002; gnomAD 0.00002 and 0.00003; gnomAD exomes 0.00003 and 0.00004; TOPMed 0.00005.

Submissions (2):

Labcorp Genetics (formerly Invitae), Labcorp
Classification: Uncertain significance. Last evaluated: 2025-07-24. Review status: criteria provided, single submitter. Criteria: Invitae Variant Classification Sherloc (09022015). Collection method: clinical testing. Allele origin: germline.
Comment: This sequence change replaces aspartic acid, which is acidic and polar, with asparagine, which is neutral and polar, at codon 269 of the KCNJ11 protein (p.Asp269Asn). This variant is present in population databases (rs756552714, gnomAD 0.02%). This variant has not been reported in the literature in individuals affected with KCNJ11-related conditions. ClinVar contains an entry for this variant (Variation ID: 1337726). Invitae Evidence Modeling of protein sequence and biophysical properties (such as structural, functional, and spatial information, amino acid conservation, physicochemical variation, residue mobility, and thermodynamic stability) has been performed for this missense variant. However, the output from this modeling did not meet the statistical confidence thresholds required to predict the impact of this variant on KCNJ11 protein function. In summary, the available evidence is currently insufficient to determine the role of this variant in disease. Therefore, it has been classified as a Variant of Uncertain Significance.

Genetic Services Laboratory, University of Chicago
Classification: Uncertain significance. Last evaluated: 2020-09-10. Review status: criteria provided, single submitter. Criteria: ACMG Guidelines, 2015. Collection method: clinical testing. Allele origin: germline. Affected: no.
Comment: DNA sequence analysis of the KCNJ11 gene demonstrated a sequence change, c.805G>A, in exon 1 that results in an amino acid change, p.Asp269Asn. This sequence change does not appear to have been previously described in patients with KCNJ11-related disorders and has been described in the gnomAD database with a low population frequency of 0.0036% (dbSNP rs756552714). The p.Asp269Asn change affects a highly conserved amino acid residue located in a domain of the KCNJ11 protein that is known to be functional. In-silico pathogenicity prediction tools (SIFT, PolyPhen2, Align GVGD, REVEL) provide contradictory results for the p.Asp269Asn substitution. Due to these contrasting evidences and the lack of functional studies, the clinical significance of the p.Asp269Asn change remains unknown at this time.